The following is an entry in ClinVar:

NM_054012.4(ASS1):c.849G>C (p.Glu283Asp)

Gene: ASS1 (argininosuccinate synthase 1; plus strand). Cytogenetic location: 9q34.11.
Variant type: single nucleotide variant.
Coding change: c.849G>C on transcript NM_054012.4 (MANE Select); coding-DNA position 849, G replaced by C.
Protein change: p.Glu283Asp; replaces glutamic acid 283 with aspartic acid.
Molecular consequence: missense variant.
Genome position (GRCh38, 1-based): chr9:130,489,343, G>C. VCF-style: chr9-130489343-G-C. GRCh37 (hg19) VCF-style: chr9-133364730-G-C.
Other names: c.849G>C, p.Glu283Asp (NM_000050.4); short protein forms E283D.
Identifiers: ClinVar variation 4062535 (VCV004062535.2).

ClinVar aggregate classification (germline): Likely pathogenic (1 of 4 stars; one submission).

Conditions:
Citrullinemia type I (CTNL1). Also called: ASS DEFICIENCY; argininosuccinate synthetase deficiency. Identifiers: Orphanet 247525, MedGen C4721769, MONDO:0008988, OMIM 215700.

Submission:

Natera, Inc.
Classification: Likely pathogenic for Citrullinemia type I. Last evaluated: 2025-04-25. Review status: criteria provided, single submitter. Criteria: Natera Variant Classification Schema (03/2026). Collection method: clinical testing. Allele origin: germline.
Comment: The c.849G>C variant in ASS1 is a missense variant predicted to cause substitution of glutamic acid to aspartic acid at amino acid 283. This variant is rare in the general population with a frequency below the threshold expected for the associated phenotype(s). This variant has been observed in one or more individuals affected with the associated recessive disease, as either homozygous or compound heterozygous with a second variant (PMID: 31469252). A different variant at the same position has been determined to be Pathogenic or Likely Pathogenic. Computational prediction algorithms indicate this variant is likely to affect gene or protein function. Given the available evidence, this variant is classified as Likely Pathogenic.

Literature cited by the submitters: PubMed 31469252.